The following is an entry in ClinVar:

NM_001372106.1(DNAH10):c.11864G>A (p.Arg3955His)

Gene: DNAH10 (dynein axonemal heavy chain 10; plus strand). Cytogenetic location: 12q24.31.
Variant type: single nucleotide variant.
Coding change: c.11864G>A on transcript NM_001372106.1 (MANE Select); coding-DNA position 11864, G replaced by A.
Protein change: p.Arg3955His; replaces arginine 3955 with histidine.
Molecular consequence: missense variant.
Genome position (GRCh38, 1-based): chr12:123,925,147, G>A. VCF-style: chr12-123925147-G-A. GRCh37 (hg19) VCF-style: chr12-124409694-G-A.
Other names: c.11510G>A, p.Arg3837His (NM_207437.3); short protein forms R3837H, R3955H.
Identifiers: ClinVar variation 1700325 (VCV001700325.5), dbSNP rs145617767, ClinGen allele CA6865758.
Genomic context (GRCh38, chr12:123,925,147, plus strand): 5'-CCTTGGGTTACGATAACAACATCACCCCTTTCCAGAAGTTGCTTATTTTGCGCTGTTTCC[G>A]TGTGGATCGGGTCTATCGGGCCGTGACTGACTATGTGACTGTAACAATGGGAGAGAAGTA-3'
Protein context (NP_001359035.1, residues 3945-3965): FQKLLILRCF[Arg3955His]VDRVYRAVTD

ClinVar aggregate classification (germline): Uncertain significance. Review status: criteria provided, multiple submitters, no conflicts (2 of 4 stars). 2 submissions from 2 submitters: Uncertain significance (2). Last evaluated 2025-10-07.

Allele frequency attached by ClinVar (database versions not stated): ESP Exome Variant Server 0.00008; gnomAD 0.00015 and 0.00016; 1000 Genomes Project 0.00020; TOPMed 0.00014; 1000 Genomes Project 30x 0.00016.
gnomAD v4.1: 231 of 1,613,958 alleles (0.014%); highest among the groups gnomAD compares: Non-Finnish European, 0.016%; no homozygotes.

Submissions (2):

Ambry Genetics
Classification: Uncertain significance. Last evaluated: 2025-10-07. Review status: criteria provided, single submitter. Criteria: Ambry Variant Classification Scheme 2023. Collection method: clinical testing. Allele origin: germline.

GeneDx
Classification: Uncertain significance. Last evaluated: 2024-11-10. Review status: criteria provided, single submitter. Criteria: GeneDx Variant Classification Process June 2021. Collection method: clinical testing. Allele origin: germline. Affected: yes.
Comment: In silico analysis supports that this missense variant has a deleterious effect on protein structure/function; Has not been previously published as pathogenic or benign to our knowledge